The following is an entry in ClinVar:

NM_014708.6(KNTC1):c.4923C>T (p.His1641=)

Gene: KNTC1 (kinetochore associated 1; plus strand). Cytogenetic location: 12q24.31.
Variant type: single nucleotide variant.
Coding change: c.4923C>T on transcript NM_014708.6 (MANE Select); coding-DNA position 4923, C replaced by T.
Protein change: p.His1641=; no amino-acid change (histidine 1641 retained).
Molecular consequence: synonymous variant.
Genome position (GRCh38, 1-based): chr12:122,603,065, C>T. VCF-style: chr12-122603065-C-T. GRCh37 (hg19) VCF-style: chr12-123087612-C-T.
Identifiers: ClinVar variation 2643502 (VCV002643502.24), dbSNP rs370507743, ClinGen allele CA6848639.

ClinVar aggregate classification (germline): Likely benign (1 of 4 stars; one submission).

Allele frequency attached by ClinVar (database versions not stated): ExAC 0.00004; gnomAD 0.00006; gnomAD exomes 0.00008; ESP Exome Variant Server 0.00017.
gnomAD v4.1: 146 of 1,613,590 alleles (0.009%); highest among the groups gnomAD compares: Middle Eastern, 0.049%; 1 homozygote.

Submission:

CeGaT Center for Human Genetics Tuebingen
Classification: Likely benign. Last evaluated: 2022-04-01. Review status: criteria provided, single submitter. Criteria: CeGaT Center For Human Genetics Tuebingen Variant Classification Criteria Version 2. Collection method: clinical testing. Allele origin: germline. Affected: yes. Observed: 1 variant allele.
Comment: KNTC1: BP4, BP7